The following is an entry in ClinVar:

ClinVar aggregate classification (germline): Uncertain significance (1 of 4 stars; one submission).

Conditions:
Inborn genetic diseases. Identifiers: MedGen C0950123, MeSH D030342.

Submission:

Ambry Genetics
Classification: Uncertain significance for Inborn genetic diseases. Last evaluated: 2024-06-02. Review status: criteria provided, single submitter. Criteria: Ambry Variant Classification Scheme 2023. Collection method: clinical testing. Allele origin: germline.
Comment: The p.H348L variant (also known as c.1043A>T), located in coding exon 11 of the ERCC2 gene, results from an A to T substitution at nucleotide position 1043. The histidine at codon 348 is replaced by leucine, an amino acid with similar properties. This amino acid position is conserved. In addition, the in silico prediction for this alteration is inconclusive. Based on the available evidence, the clinical significance of this variant remains unclear.

NM_000400.4(ERCC2):c.1043A>T (p.His348Leu)

Gene: ERCC2 (ERCC excision repair 2, TFIIH core complex helicase subunit; minus strand). Cytogenetic location: 19q13.32.
Variant type: single nucleotide variant.
Coding change: c.1043A>T on transcript NM_000400.4 (MANE Select); coding-DNA position 1043, A replaced by T.
Protein change: p.His348Leu; replaces histidine 348 with leucine.
Molecular consequence: missense variant.
Genome position (GRCh38, 1-based): chr19:45,363,818, T>A on the plus strand (A>T on the coding strand, the complement: ERCC2 is on the minus strand). VCF-style: chr19-45363818-T-A. GRCh37 (hg19) VCF-style: chr19-45867076-T-A.
Other names: c.971A>T, p.His324Leu (NM_001130867.2); short protein forms H324L, H348L.
Identifiers: ClinVar variation 3276283 (VCV003276283.1).
Genomic context (GRCh38, chr19:45,363,818, plus strand): 5'-TGGATGCACACGCGCTGGGCCAGGCCGCTCAGGAAGGCGGGCGGGCTCTCCTGCACCACA[T>A]GCTGCACACGCAGCCGCCACTTCACGTACTCCAGCAGCCGCCTCAGGAAGCCCAGGAAAT-3'
Protein context (NP_000391.1, residues 338-358): EYVKWRLRVQ[His348Leu]VVQESPPAFL